The following is an entry in ClinVar:

ClinVar aggregate classification (germline): Uncertain significance (1 of 4 stars; one submission).

Allele frequency attached by ClinVar (database versions not stated): gnomAD exomes below 0.00001; TOPMed below 0.00001; gnomAD 0.00001.
gnomAD v4.1: 4 of 1,605,776 alleles (0.00025%); highest among the groups gnomAD compares: Admixed American, 0.0017%; no homozygotes.

Submission:

Labcorp Genetics (formerly Invitae), Labcorp
Classification: Uncertain significance. Last evaluated: 2024-01-22. Review status: criteria provided, single submitter. Criteria: Invitae Variant Classification Sherloc (09022015). Collection method: clinical testing. Allele origin: germline.
Comment: This sequence change replaces glycine, which is neutral and non-polar, with aspartic acid, which is acidic and polar, at codon 59 of the ISCA1 protein (p.Gly59Asp). This variant is not present in population databases (gnomAD no frequency). This variant has not been reported in the literature in individuals affected with ISCA1-related conditions. ClinVar contains an entry for this variant (Variation ID: 1953278). An algorithm developed to predict the effect of missense changes on protein structure and function (PolyPhen-2) suggests that this variant is likely to be disruptive. In summary, the available evidence is currently insufficient to determine the role of this variant in disease. Therefore, it has been classified as a Variant of Uncertain Significance.

NM_030940.4(ISCA1):c.176G>A (p.Gly59Asp)

Gene: ISCA1 (iron-sulfur cluster assembly 1; minus strand). Cytogenetic location: 9q21.33.
Variant type: single nucleotide variant.
Coding change: c.176G>A on transcript NM_030940.4 (MANE Select); coding-DNA position 176, G replaced by A.
Protein change: p.Gly59Asp; replaces glycine 59 with aspartic acid.
Molecular consequence: missense variant.
Genome position (GRCh38, 1-based): chr9:86,272,072, C>T on the plus strand (G>A on the coding strand, the complement: ISCA1 is on the minus strand). VCF-style: chr9-86272072-C-T. GRCh37 (hg19) VCF-style: chr9-88886987-C-T.
Other names: short protein forms G59D.
Identifiers: ClinVar variation 1953278 (VCV001953278.5), dbSNP rs1176960931, ClinGen allele CA373946876.